The following is an entry in ClinVar:

ClinVar aggregate classification (germline): Uncertain significance. Review status: criteria provided, multiple submitters, no conflicts (2 of 4 stars). 5 submissions from 5 submitters: Uncertain significance (5). Last evaluated 2026-08-03.

Conditions:
CFTR-related disorder (CFTR-RD). Also called: CFTR-related condition; CFTR-related disorders. Identifiers: MedGen C5924204, MONDO:7770004.
Cystic fibrosis (CF). Also called: MUCOVISCIDOSIS. Identifiers: Orphanet 586, MedGen C0010674, MONDO:0009061, OMIM 219700. Disease mechanism: loss of function.

Allele frequency attached by ClinVar (database versions not stated): gnomAD exomes below 0.00001; TOPMed 0.00001.
gnomAD v4.1: 2 of 1,593,516 alleles (0.00013%); highest among the groups gnomAD compares: Admixed American, 0.0035%; no homozygotes.

Submissions (5):

PreventionGenetics, part of Exact Sciences
Classification: Uncertain significance for CFTR-related condition. Last evaluated: 2026-08-03. Review status: criteria provided, single submitter. Criteria: ACMG Guidelines, 2015. Collection method: clinical testing. Allele origin: germline.
Comment: The CFTR c.757G>A variant is predicted to result in the amino acid substitution p.Gly253Arg. In an additional study of individuals with clinical indications of cystic fibrosis or a positive sweat test, the p.Gly253Arg variant was also reported as a complex allele (in cis) with p.Gly451Val in 6 patients ( p.[Gly253Arg;Gly451Val] in Ruiz-Cabezas et al 2019. PubMed ID: 30763667). Of these 6 patients, one was homozygous for the complex allele and three were heterozygous for p.Phe508del. In one patient, the p.Gly253Arg was detected with only the p.Arg75Gln variant (Ruiz-Cabezas et al 2019. PubMed ID: 30763667). This variant is reported in 0.0031% of alleles in individuals of Latino descent in gnomAD. At this time, the clinical significance of this variant is uncertain due to the absence of conclusive functional and genetic evidence.

Women's Health and Genetics/Laboratory Corporation of America, LabCorp
Classification: Uncertain significance. Last evaluated: 2026-03-23. Review status: criteria provided, single submitter. Criteria: LabCorp Variant Classification Summary - May 2015. Collection method: clinical testing. Allele origin: germline.
Comment: Variant summary: CFTR c.757G>A (p.Gly253Arg) results in a non-conservative amino acid change in the encoded protein sequence. Algorithms developed to predict the effect of missense changes on protein structure and function all suggest that this variant is likely to be disruptive. The variant allele was found at a frequency of 4.5e-06 in 222854 control chromosomes. The available data on variant occurrences in the general population are insufficient to allow any conclusion about variant significance. c.757G>A has been observed occuring in cis with c.1352G>T [p.Gly451Val] (ClinVar:553569) in several individuals affected with Cystic Fibrosis (e.g. Ruiz-Cabezas_2019, Rueda-Nieto_2022). A different variant resulting in the same amino acid substitution was also found in one patient for whom the second allele is not specified (Schrijver_2016). These reports do not provide unequivocal conclusions about association of the variant with Cystic Fibrosis. At least one publication reports experimental evidence evaluating an impact on protein function. The most pronounced variant effect resulted in approximately 53% of normal chloride channel conductance relative to wild type (e.g., Bihler_2024). The following publications have been ascertained in the context of this evaluation (PMID: 26708955, 30763667, 35698092, 38388235). ClinVar contains an entry for this variant (Variation ID: 1401895). Based on the evidence outlined above, the variant was classified as uncertain significance.

Labcorp Genetics (formerly Invitae), Labcorp
Classification: Uncertain significance for Cystic fibrosis. Last evaluated: 2025-09-29. Review status: criteria provided, single submitter. Criteria: Invitae Variant Classification Sherloc (09022015). Collection method: clinical testing. Allele origin: germline.
Comment: This sequence change replaces glycine, which is neutral and non-polar, with arginine, which is basic and polar, at codon 253 of the CFTR protein (p.Gly253Arg). This variant is present in population databases (no rsID available, gnomAD 0.003%). This missense change has been observed in individual(s) with CFTR-related conditions (PMID: 26708955, 30763667). ClinVar contains an entry for this variant (Variation ID: 1401895). Invitae Evidence Modeling of protein sequence and biophysical properties (such as structural, functional, and spatial information, amino acid conservation, physicochemical variation, residue mobility, and thermodynamic stability) indicates that this missense variant is expected to disrupt CFTR protein function with a positive predictive value of 80%. In summary, the available evidence is currently insufficient to determine the role of this variant in disease. Therefore, it has been classified as a Variant of Uncertain Significance.

GeneDx
Classification: Uncertain significance. Last evaluated: 2023-10-31. Review status: criteria provided, single submitter. Criteria: GeneDx Variant Classification Process June 2021. Collection method: clinical testing. Allele origin: germline. Affected: yes.
Comment: Reported on the same chromosome (in cis) as p.(Gly451Val) in heterozygous or homozygous state in multiple individuals with cystic fibrosis from Ecuador, but additional clinical information and familial segregation information was not included (PMID: 30763667); Observed in an individual with cystic fibrosis with no information on whether other CFTR variants were also identified (PMID: 26708955); Not observed at significant frequency in large population cohorts (gnomAD); In silico analysis supports that this missense variant does not alter protein structure/function; This variant is associated with the following publications: (PMID: 32596391, 26708955, 35698092, 30763667)

Ambry Genetics
Classification: Uncertain significance for Cystic fibrosis. Last evaluated: 2022-08-05. Review status: criteria provided, single submitter. Criteria: Ambry Variant Classification Scheme 2023. Collection method: clinical testing. Allele origin: germline.
Comment: The p.G253R variant (also known as c.757G>A), located in coding exon 7 of the CFTR gene, results from a G to A substitution at nucleotide position 757. The glycine at codon 253 is replaced by arginine, an amino acid with dissimilar properties. In a cohort of individuals with clinical manifestations or elevated sweat chloride levels, this variant was detected in six individuals in conjunction with p.G451V; parental studies in one individual confirmed p.G253R and p.G451V were in cis. One individual in this cohort was homozygous for the complex allele and three also carried p.F508del. In addition, one individual was heterozygous for p.G253R without p.G451V (Ruiz-Cabezas JC et al. Gene, 2019 May;696:28-32). This amino acid position is well conserved in available vertebrate species. In addition, the in silico prediction for this alteration is inconclusive. Based on available evidence to date, the clinical significance of this alteration remains unclear.

Literature cited by the submitters: PubMed 26708955 (cited by 3 submitters); PubMed 30763667 (cited by 3 submitters); PubMed 35698092 (cited by Women's Health and Genetics/Laboratory Corporation of America, LabCorp); PubMed 38388235 (cited by Women's Health and Genetics/Laboratory Corporation of America, LabCorp).

NM_000492.4(CFTR):c.757G>A (p.Gly253Arg)

Gene: CFTR (CF transmembrane conductance regulator; plus strand). Cytogenetic location: 7q31.2.
Variant type: single nucleotide variant.
Coding change: c.757G>A on transcript NM_000492.4 (MANE Select); coding-DNA position 757, G replaced by A.
Protein change: p.Gly253Arg; replaces glycine 253 with arginine.
Molecular consequence: missense variant.
Genome position (GRCh38, 1-based): chr7:117,536,561, G>A. VCF-style: chr7-117536561-G-A. GRCh37 (hg19) VCF-style: chr7-117176615-G-A.
Other names: short protein forms G253R.
Identifiers: ClinVar variation 1401895 (VCV001401895.11), dbSNP rs1343896905, ClinGen allele CA368977342.
Genomic context (GRCh38, chr7:117,536,561, plus strand): 5'-TGTTTTTACTATTAGATTGATTGATTGATTGATTGATTGATTTACAGAGATCAGAGAGCT[G>A]GGAAGATCAGTGAAAGACTTGTGATTACCTCAGAAATGATTGAAAATATCCAATCTGTTA-3'
Protein context (NP_000483.3, residues 243-263): MMMKYRDQRA[Gly253Arg]KISERLVITS